The following is an entry in ClinVar:

ClinVar aggregate classification (germline): Likely benign (1 of 4 stars; one submission).

Submission:

CeGaT Center for Human Genetics Tuebingen
Classification: Likely benign. Last evaluated: 2024-06-01. Review status: criteria provided, single submitter. Criteria: CeGaT Center For Human Genetics Tuebingen Variant Classification Criteria Version 2. Collection method: clinical testing. Allele origin: germline. Affected: yes. Observed: 2 variant alleles.
Comment: DOCK3: PM2:Supporting, BP4, BP7

NM_004947.5(DOCK3):c.1584A>C (p.Ser528=)

Gene: DOCK3 (dedicator of cytokinesis 3; plus strand). Cytogenetic location: 3p21.2.
Variant type: single nucleotide variant.
Coding change: c.1584A>C on transcript NM_004947.5 (MANE Select); coding-DNA position 1584, A replaced by C.
Protein change: p.Ser528=; no amino-acid change (serine 528 retained).
Molecular consequence: synonymous variant.
Genome position (GRCh38, 1-based): chr3:51,228,025, A>C. VCF-style: chr3-51228025-A-C. GRCh37 (hg19) VCF-style: chr3-51265456-A-C.
Identifiers: ClinVar variation 2653863 (VCV002653863.24), dbSNP rs2548325874, ClinGen allele CA433720434.